The following is an entry in ClinVar:

ClinVar aggregate classification (germline): Uncertain significance (1 of 4 stars; one submission).

Conditions:
Hereditary cancer-predisposing syndrome. Also called: Hereditary neoplastic syndrome; Neoplastic Syndromes, Hereditary; Tumor predisposition; Hereditary Cancer Syndrome. Identifiers: Orphanet 140162, MedGen C0027672, MeSH D009386, MONDO:0015356.

Submission:

Ambry Genetics
Classification: Uncertain significance for Hereditary cancer-predisposing syndrome. Last evaluated: 2025-08-27. Review status: criteria provided, single submitter. Criteria: Ambry Variant Classification Scheme 2023. Collection method: clinical testing. Allele origin: germline.
Comment: The p.A117V variant (also known as c.350C>T), located in coding exon 4 of the MUTYH gene, results from a C to T substitution at nucleotide position 350. The alanine at codon 117 is replaced by valine, an amino acid with similar properties. This amino acid position is conserved. In addition, this alteration is predicted to be tolerated by in silico analysis. Based on the available evidence, the clinical significance of this variant remains unclear.

NM_001048174.2(MUTYH):c.266C>T (p.Ala89Val)

Gene: MUTYH (mutY DNA glycosylase; minus strand). Cytogenetic location: 1p34.1.
Variant type: single nucleotide variant.
Coding change: c.266C>T on transcript NM_001048174.2 (MANE Select); coding-DNA position 266, C replaced by T.
Protein change: p.Ala89Val; replaces alanine 89 with valine.
Molecular consequence: missense variant. On other transcripts: 5 prime UTR variant (6), non-coding transcript variant (7).
Genome position (GRCh38, 1-based): chr1:45,333,323, G>A on the plus strand (C>T on the coding strand, the complement: MUTYH is on the minus strand). VCF-style: chr1-45333323-G-A. GRCh37 (hg19) VCF-style: chr1-45798995-G-A.
Other names: c.266C>T, p.Ala89Val (NM_001048171.2, NM_001048173.2, NM_001293195.2 and 6 more transcripts); c.269C>T, p.Ala90Val (NM_001048172.2, NM_001407071.1, NM_001407086.1 and 2 more transcripts); c.350C>T, p.Ala117Val (NM_001128425.2); c.311C>T, p.Ala104Val (NM_001293190.2); c.299C>T, p.Ala100Val (NM_001293191.2, NM_001407077.1); c.-11C>T (NM_001293192.2, NM_001293196.2, NM_001407091.1); c.-6C>T (NM_001350650.2, NM_001350651.2, NM_001407082.1); c.341C>T, p.Ala114Val (NM_001407069.1, NM_012222.3); and 3 more; short protein forms A103V, A90V, A100V, A104V, A117V, A89V, A96V, A114V.
Identifiers: ClinVar variation 4113612 (VCV004113612.1).